The following is an entry in ClinVar:

NM_001267550.2(TTN):c.59583_59599dup (p.Thr19867fs)

Genes: TTN (titin; minus strand), TTN-AS1 (TTN antisense RNA 1; plus strand), LOC126806424 (CDK7 strongly-dependent group 2 enhancer GRCh37_chr2:179456337-179457536; plus strand). Cytogenetic location: 2q31.2.
Variant type: Duplication.
Coding change: c.59583_59599dup on transcript NM_001267550.2 (MANE Select); coding-DNA positions 59583 to 59599, 17 bases duplicated (TCCAGCTGGTTCAAAAA).
Protein change: p.Thr19867fs; shifts the reading frame from threonine 19867.
Molecular consequence: frameshift variant.
Genome position (GRCh38, 1-based): chr2:178,592,406-178,592,422, TTTTTGAACCAGCTGGA duplicated on the plus strand (TCCAGCTGGTTCAAAAA on the coding strand, the reverse complement: TTN is on the minus strand); duplicating any 17 consecutive bases within chr2:178,592,406-178,592,424 gives the same sequence; the c. name uses the placement nearest the transcript's 3' end. VCF-style (leftmost placement, unchanged base first): chr2-178592405-G-GTTTTTGAACCAGCTGGA. GRCh37 (hg19) VCF-style: chr2-179457132-G-GTTTTTGAACCAGCTGGA.
Other names: c.54660_54676dup, p.Thr18226fs (NM_001256850.1); c.32388_32404dup, p.Thr10802fs (NM_003319.4); c.51879_51895dup, p.Thr17299fs (NM_133378.4); c.32763_32779dup, p.Thr10927fs (NM_133432.3); c.32964_32980dup, p.Thr10994fs (NM_133437.4); short protein forms T17299fs, T19867fs, T10802fs, T10927fs, T18226fs, T10994fs.
Identifiers: ClinVar variation 1480896 (VCV001480896.6), dbSNP rs2154185625, ClinGen allele CA2573133756.
Genomic context (GRCh38, chr2:178,592,405, plus strand): 5'-TTATTTTTAATGGCCTAAGTAGTAAAATTCTTACCTAATACAAGTACTTTTACTGAGACA[G>GTTTTTGAACCAGCTGGA]TTTTTGAACCAGCTGGATTCTCCACTGTTAAAGAATAAATTCCACCATCTTCATGGGCAG-3'

ClinVar aggregate classification (germline): Likely pathogenic (1 of 4 stars; one submission).

Conditions:
Dilated cardiomyopathy 1G (CMD1G). Identifiers: Orphanet 154, MedGen C1858763, MONDO:0011400, OMIM 604145.
Autosomal recessive limb-girdle muscular dystrophy type 2J (LGMDR10). Also called: Limb-girdle muscular dystrophy, type 2J; MUSCULAR DYSTROPHY, LIMB-GIRDLE, AUTOSOMAL RECESSIVE 10. Identifiers: Orphanet 140922, MedGen C1837342, MONDO:0012127, OMIM 608807.

Submission:

Labcorp Genetics (formerly Invitae), Labcorp
Classification: Likely pathogenic for Dilated cardiomyopathy 1G; Autosomal recessive limb-girdle muscular dystrophy type 2J. Last evaluated: 2022-03-18. Review status: criteria provided, single submitter. Criteria: Invitae Variant Classification Sherloc (09022015). Collection method: clinical testing. Allele origin: germline.
Comment: This variant is not present in population databases (gnomAD no frequency). This variant has not been reported in the literature in individuals affected with TTN-related conditions. Algorithms developed to predict the effect of sequence changes on RNA splicing suggest that this variant may create or strengthen a splice site. This variant is located in the A band of TTN (PMID: 25589632). Truncating variants in this region are significantly overrepresented in patients affected with dilated cardiomyopathy (PMID: 25589632). Truncating variants in this region have also been reported in individuals affected with autosomal recessive centronuclear myopathy (PMID: 23975875). In summary, the currently available evidence indicates that the variant is pathogenic, but additional data are needed to prove that conclusively. Therefore, this variant has been classified as Likely Pathogenic. This sequence change creates a premature translational stop signal (p.Thr19867Ilefs*10) in the TTN gene. While this is not anticipated to result in nonsense mediated decay, it is expected to create a truncated TTN protein.

Literature cited by the submitters: PubMed 25589632; PubMed 23975875.